The following is an entry in ClinVar:

ClinVar aggregate classification (germline): Uncertain significance (1 of 4 stars; one submission).

Conditions:
Walker-Warburg congenital muscular dystrophy. Also called: Muscular dystrophy-dystroglycanopathy, type A; Walker-Warburg syndrome. Identifiers: Orphanet 899, MedGen C0265221, MONDO:0000171.

Submission:

Labcorp Genetics (formerly Invitae), Labcorp
Classification: Uncertain significance for Walker-Warburg congenital muscular dystrophy. Last evaluated: 2025-06-08. Review status: criteria provided, single submitter. Criteria: Invitae Variant Classification Sherloc (09022015). Collection method: clinical testing. Allele origin: germline.
Comment: This sequence change affects codon 249 of the FKTN mRNA. It is a 'silent' change, meaning that it does not change the encoded amino acid sequence of the FKTN protein. This variant is not present in population databases (gnomAD no frequency). This variant has not been reported in the literature in individuals affected with FKTN-related conditions. Algorithms developed to predict the effect of sequence changes on RNA splicing suggest that this variant may create or strengthen a splice site. In summary, the available evidence is currently insufficient to determine the role of this variant in disease. Therefore, it has been classified as a Variant of Uncertain Significance.

NM_001079802.2(FKTN):c.747G>A (p.Glu249=)

Gene: FKTN (fukutin; plus strand). Cytogenetic location: 9q31.2.
Variant type: single nucleotide variant.
Coding change: c.747G>A on transcript NM_001079802.2 (MANE Select); coding-DNA position 747, G replaced by A.
Protein change: p.Glu249=; no amino-acid change (glutamic acid 249 retained).
Molecular consequence: synonymous variant. On other transcripts: non-coding transcript variant (2).
Genome position (GRCh38, 1-based): chr9:105,607,918, G>A. VCF-style: chr9-105607918-G-A. GRCh37 (hg19) VCF-style: chr9-108370199-G-A.
Other names: c.747G>A, p.Glu249= (NM_001198963.2, NM_001351496.2, NM_001351498.2 and 1 more transcripts); c.678G>A, p.Glu226= (NM_001351497.2); c.351G>A, p.Glu117= (NM_001351499.2, NM_001351500.2, NM_001351501.2 and 1 more transcripts).
Identifiers: ClinVar variation 4798999 (VCV004798999.1).
Genomic context (GRCh38, chr9:105,607,918, plus strand): 5'-TCTCATTCCAAAGGATCCAATGCACTTTGTAGAAGAAGTACCACACTCTAGGTTTATTGA[G>A]TGTAGGTATAAAGAAGCTCGAGCATTCTTTCAGGTTAGAGACAACCAAATGTGTACTTTT-3'
Protein context (NP_001073270.1, residues 239-259): VEEVPHSRFI[Glu249=]CRYKEARAFF